The following is an entry in ClinVar:

NM_139279.6(MCFD2):c.*1525C>G

Genes: MCFD2 (multiple coagulation factor deficiency 2, ER cargo receptor complex subunit; minus strand), MCFD2-AS1 (MCFD2 antisense RNA 1; plus strand). Cytogenetic location: 2p21.
Variant type: single nucleotide variant.
Coding change: c.*1525C>G on transcript NM_139279.6 (MANE Select); 1525 bases downstream of the stop codon, C replaced by G.
Molecular consequence: 3 prime UTR variant.
Genome position (GRCh38, 1-based): chr2:46,903,938, G>C on the plus strand (C>G on the coding strand, the complement: MCFD2 is on the minus strand). VCF-style: chr2-46903938-G-C. GRCh37 (hg19) VCF-style: chr2-47131077-G-C.
Other names: c.*1525C>G (NM_001171506.2, NM_001171507.2, NM_001171508.2 and 3 more transcripts).
Identifiers: ClinVar variation 336354 (VCV000336354.5), dbSNP rs7596198, ClinGen allele CA10615673.

ClinVar aggregate classification (germline): Benign (1 of 4 stars; one submission).

Conditions:
Factor 5 and Factor VIII, combined deficiency of, 2. Identifiers: Orphanet 35909, MedGen C3150889, MONDO:0013331, OMIM 613625.

Allele frequency attached by ClinVar (database versions not stated): TOPMed 0.07015; gnomAD 0.06382 and 0.06380; 1000 Genomes Project 0.09265; 1000 Genomes Project 30x 0.09463.

Submission:

Illumina Laboratory Services, Illumina
Classification: Benign for Factor 5 and Factor VIII, combined deficiency of, 2. Last evaluated: 2018-01-12. Review status: criteria provided, single submitter. Criteria: ICSL Variant Classification Criteria 13 December 2019. Collection method: clinical testing. Allele origin: germline.
Comment: This variant was observed in the ICSL laboratory as part of a predisposition screen in an ostensibly healthy population. It had not been previously curated by ICSL or reported in the Human Gene Mutation Database (HGMD: prior to June 1st, 2018), and was therefore a candidate for classification through an automated scoring system. Utilizing variant allele frequency, disease prevalence and penetrance estimates, and inheritance mode, an automated score was calculated to assess if this variant is too frequent to cause the disease. Based on the score and internal cut-off values, a variant classified as benign is not then subjected to further curation. The score for this variant resulted in a classification of benign for this disease.